The following is an entry in ClinVar:

ClinVar aggregate classification (germline): Uncertain significance (1 of 4 stars; one submission).

gnomAD v4.1: 1 of 1,612,918 alleles (0.000062%); highest among the groups gnomAD compares: African/African-American, 0.0013%; no homozygotes.

Submission:

GeneDx
Classification: Uncertain significance. Last evaluated: 2024-07-02. Review status: criteria provided, single submitter. Criteria: GeneDx Variant Classification Process June 2021. Collection method: clinical testing. Allele origin: germline. Affected: yes.
Comment: Nonsense variant predicted to result in protein truncation as the last 23 amino acids are lost, although loss-of-function variants have not been reported downstream of this position in the protein; Not observed at significant frequency in large population cohorts (gnomAD); Has not been previously published as pathogenic or benign to our knowledge

NM_015021.3(ZNF292):c.8102C>G (p.Ser2701Ter)

Gene: ZNF292 (zinc finger protein 292; plus strand). Cytogenetic location: 6q14.3.
Variant type: single nucleotide variant.
Coding change: c.8102C>G on transcript NM_015021.3 (MANE Select); coding-DNA position 8102, C replaced by G.
Protein change: p.Ser2701Ter; replaces serine 2701 with a stop codon.
Molecular consequence: nonsense.
Genome position (GRCh38, 1-based): chr6:87,261,731, C>G. VCF-style: chr6-87261731-C-G. GRCh37 (hg19) VCF-style: chr6-87971449-C-G.
Other names: c.7682C>G, p.Ser2561Ter (NM_001351444.2); short protein forms S2561*, S2701*.
Identifiers: ClinVar variation 3393845 (VCV003393845.1).